The following is an entry in ClinVar:

NM_014956.5(CEP164):c.1751C>A (p.Pro584Gln)

Gene: CEP164 (centrosomal protein 164; plus strand). Cytogenetic location: 11q23.3.
Variant type: single nucleotide variant.
Coding change: c.1751C>A on transcript NM_014956.5 (MANE Select); coding-DNA position 1751, C replaced by A.
Protein change: p.Pro584Gln; replaces proline 584 with glutamine.
Molecular consequence: missense variant.
Genome position (GRCh38, 1-based): chr11:117,387,229, C>A. VCF-style: chr11-117387229-C-A. GRCh37 (hg19) VCF-style: chr11-117257945-C-A.
Other names: c.1760C>A, p.Pro587Gln (NM_001271933.2); short protein forms P584Q, P587Q.
Identifiers: ClinVar variation 1467420 (VCV001467420.8), dbSNP rs1565560519, ClinGen allele CA382717041.
Genomic context (GRCh38, chr11:117,387,229, plus strand): 5'-CCTGTGATGATATGCCATTCCCCACCCATGGTAGGCGATCCACAGAGCCTGTGGCTCCCC[C>A]AGAGCAGCTCTCAGAGGCTGCACTAAAGGCCATGGAAGAGGCAGTGGCCCAAGTACTCGA-3'
Protein context (NP_055771.4, residues 574-594): EVRSTEPVAP[Pro584Gln]EQLSEAALKA

ClinVar aggregate classification (germline): Uncertain significance (1 of 4 stars; one submission).

Conditions:
Nephronophthisis 15 (NPHP15). Identifiers: Orphanet 3156, MedGen C3541853, MONDO:0013917, OMIM 614845.

Submission:

Labcorp Genetics (formerly Invitae), Labcorp
Classification: Uncertain significance for Nephronophthisis 15. Last evaluated: 2020-10-28. Review status: criteria provided, single submitter. Criteria: Invitae Variant Classification Sherloc (09022015). Collection method: clinical testing. Allele origin: germline.
Comment: In summary, the available evidence is currently insufficient to determine the role of this variant in disease. Therefore, it has been classified as a Variant of Uncertain Significance. Algorithms developed to predict the effect of missense changes on protein structure and function output the following: SIFT: "Tolerated"; PolyPhen-2: "Benign"; Align-GVGD: "Class C0". The glutamine amino acid residue is found in multiple mammalian species, suggesting that this missense change does not adversely affect protein function. These predictions have not been confirmed by published functional studies and their clinical significance is uncertain. This variant has not been reported in the literature in individuals with CEP164-related conditions. This variant is not present in population databases (ExAC no frequency). This sequence change replaces proline with glutamine at codon 584 of the CEP164 protein (p.Pro584Gln). The proline residue is moderately conserved and there is a moderate physicochemical difference between proline and glutamine.